The following is an entry in ClinVar:

NM_000161.3(GCH1):c.76del (p.Asp26fs)

Genes: GCH1 (GTP cyclohydrolase 1; minus strand), LOC130055692 (ATAC-STARR-seq lymphoblastoid silent region 5776; plus strand). Cytogenetic location: 14q22.2.
Variant type: Deletion.
Coding change: c.76del on transcript NM_000161.3 (MANE Select); coding-DNA position 76, one base deleted (G; older notation c.76delG).
Protein change: p.Asp26fs; shifts the reading frame from aspartic acid 26.
Molecular consequence: frameshift variant.
Genome position (GRCh38, 1-based): chr14:54,902,588, C deleted on the plus strand (G on the coding strand, the reverse complement: GCH1 is on the minus strand); the first of 3 consecutive C bases (chr14:54,902,588-54,902,590); deleting any one gives the same sequence. VCF-style (leftmost placement, unchanged base first): chr14-54902587-TC-T. GRCh37 (hg19) VCF-style: chr14-55369305-TC-T.
Other names: c.76delG (NM_000161.2); c.76del, p.Asp26fs (NM_001024024.2, NM_001024070.2, NM_001024071.2); short protein forms D26fs.
Identifiers: ClinVar variation 647643 (VCV000647643.8), dbSNP rs1595031674, ClinGen allele CA915947613.

ClinVar aggregate classification (germline): Pathogenic. Review status: criteria provided, multiple submitters, no conflicts (2 of 4 stars). 2 submissions from 2 submitters: Pathogenic (2). Last evaluated 2026-07-20.

Conditions:
Dystonia 5 (DRD). Also called: Dystonia, DOPA-responsive, with or without hyperphenylalaninemia; DYT-GCH1; DYSTONIA, PROGRESSIVE, WITH DIURNAL VARIATION; DYSTONIA-PARKINSONISM WITH DIURNAL FLUCTUATION; GTP Cyclohydrolase 1-Deficient Dopa-Responsive Dystonia. Identifiers: Orphanet 98808, MedGen C1851920, MONDO:0007495, OMIM 128230.
GTP cyclohydrolase I deficiency. Identifiers: MedGen C0268467, MONDO:0100184.

Submissions (2):

Institute of Human Genetics, University of Leipzig Medical Center
Classification: Pathogenic for Dystonia 5. Last evaluated: 2026-07-20. Review status: criteria provided, single submitter. Criteria: ACMG Guidelines, 2015. Collection method: clinical testing. Allele origin: unknown. Inheritance: Autosomal dominant inheritance. Affected: yes.
Comment: Criteria applied: PVS1,PM2,PS4_SUP

Labcorp Genetics (formerly Invitae), Labcorp
Classification: Pathogenic for GTP cyclohydrolase I deficiency; Dystonia 5. Last evaluated: 2020-05-29. Review status: criteria provided, single submitter. Criteria: Invitae Variant Classification Sherloc (09022015). Collection method: clinical testing. Allele origin: germline.
Comment: This sequence change creates a premature translational stop signal (p.Asp26Ilefs*41) in the GCH1 gene. It is expected to result in an absent or disrupted protein product. The frequency data for this variant in the population databases is considered unreliable, as metrics indicate insufficient coverage at this position in the ExAC database. This variant has not been reported in the literature in individuals with GCH1-related disease. Loss-of-function variants in GCH1 are known to be pathogenic (PMID: 19491146). For these reasons, this variant has been classified as Pathogenic.

Literature cited by the submitters: PubMed 19491146 (cited by Labcorp Genetics (formerly Invitae), Labcorp).